The following is an entry in ClinVar:

ClinVar aggregate classification (germline): Likely benign (1 of 4 stars; one submission).

Submission:

CeGaT Center for Human Genetics Tuebingen
Classification: Likely benign. Last evaluated: 2023-04-01. Review status: criteria provided, single submitter. Criteria: CeGaT Center For Human Genetics Tuebingen Variant Classification Criteria Version 2. Collection method: clinical testing. Allele origin: germline. Affected: yes. Observed: 1 variant allele.
Comment: SEPTIN6: PM2:Supporting, BP4, BP7

NM_145799.4(SEPTIN6):c.843C>T (p.Val281=)

Gene: SEPTIN6 (septin 6; minus strand). Cytogenetic location: Xq24.
Variant type: single nucleotide variant.
Coding change: c.843C>T on transcript NM_145799.4 (MANE Select); coding-DNA position 843, C replaced by T.
Protein change: p.Val281=; no amino-acid change (valine 281 retained).
Molecular consequence: synonymous variant.
Genome position (GRCh38, 1-based): chrX:119,637,140, G>A on the plus strand (C>T on the coding strand, the complement: SEPTIN6 is on the minus strand). VCF-style: chrX-119637140-G-A. GRCh37 (hg19) VCF-style: chrX-118771103-G-A.
Other names: c.843C>T, p.Val281= (NM_001410710.1, NM_015129.6, NM_145800.4 and 1 more transcripts).
Identifiers: ClinVar variation 2661298 (VCV002661298.24), dbSNP rs2520629139, ClinGen allele CA518359853.